The following is an entry in ClinVar:

NM_004104.5(FASN):c.5602G>T (p.Ala1868Ser)

Gene: FASN (fatty acid synthase; minus strand). Cytogenetic location: 17q25.3.
Variant type: single nucleotide variant.
Coding change: c.5602G>T on transcript NM_004104.5 (MANE Select); coding-DNA position 5602, G replaced by T.
Protein change: p.Ala1868Ser; replaces alanine 1868 with serine.
Molecular consequence: missense variant.
Genome position (GRCh38, 1-based): chr17:82,083,079, C>A on the plus strand (G>T on the coding strand, the complement: FASN is on the minus strand). VCF-style: chr17-82083079-C-A. GRCh37 (hg19) VCF-style: chr17-80040955-C-A.
Other names: short protein forms A1868S.
Identifiers: ClinVar variation 1358839 (VCV001358839.8), dbSNP rs766994323, ClinGen allele CA8851620.

ClinVar aggregate classification (germline): Uncertain significance (1 of 4 stars; one submission).

Conditions:
Epileptic encephalopathy. Identifiers: MedGen C0543888, HP:0200134.

Allele frequency attached by ClinVar (database versions not stated): gnomAD exomes 0.00001 and 0.00002; ExAC 0.00002; gnomAD 0.00003; TOPMed 0.00003.
gnomAD v4.1: 24 of 1,611,212 alleles (0.0015%); highest among the groups gnomAD compares: Middle Eastern, 0.016%; no homozygotes.

Submission:

Labcorp Genetics (formerly Invitae), Labcorp
Classification: Uncertain significance for Epileptic encephalopathy. Last evaluated: 2021-08-09. Review status: criteria provided, single submitter. Criteria: Invitae Variant Classification Sherloc (09022015). Collection method: clinical testing. Allele origin: germline.
Comment: This sequence change replaces alanine with serine at codon 1868 of the FASN protein (p.Ala1868Ser). The alanine residue is weakly conserved and there is a moderate physicochemical difference between alanine and serine. This variant is present in population databases (rs766994323, ExAC 0.003%). This variant has not been reported in the literature in individuals with FASN-related conditions. Algorithms developed to predict the effect of missense changes on protein structure and function (SIFT, PolyPhen-2, Align-GVGD) all suggest that this variant is likely to be tolerated, but these predictions have not been confirmed by published functional studies and their clinical significance is uncertain. In summary, the available evidence is currently insufficient to determine the role of this variant in disease. Therefore, it has been classified as a Variant of Uncertain Significance.